The following is an entry in ClinVar:

NM_001365951.3(KIF1B):c.4053C>A (p.Ser1351Arg)

Gene: KIF1B (kinesin family member 1B; plus strand). Cytogenetic location: 1p36.22.
Variant type: single nucleotide variant.
Coding change: c.4053C>A on transcript NM_001365951.3 (MANE Select); coding-DNA position 4053, C replaced by A.
Protein change: p.Ser1351Arg; replaces serine 1351 with arginine.
Molecular consequence: missense variant.
Genome position (GRCh38, 1-based): chr1:10,352,734, C>A. VCF-style: chr1-10352734-C-A. GRCh37 (hg19) VCF-style: chr1-10412792-C-A.
Other names: c.4053C>A, p.Ser1351Arg (NM_001365952.1); c.3915C>A, p.Ser1305Arg (NM_015074.3); short protein forms S1351R, S1305R.
Identifiers: ClinVar variation 1736138 (VCV001736138.3), dbSNP rs2521828795, ClinGen allele CA338344546.

ClinVar aggregate classification (germline): Uncertain significance (1 of 4 stars; one submission).

Submission:

Ambry Genetics
Classification: Uncertain significance. Last evaluated: 2025-03-27. Review status: criteria provided, single submitter. Criteria: Ambry Variant Classification Scheme 2023. Collection method: clinical testing. Allele origin: germline.
Comment: The p.S1305R variant (also known as c.3915C>A), located in coding exon 35 of the KIF1B gene, results from a C to A substitution at nucleotide position 3915. The serine at codon 1305 is replaced by arginine, an amino acid with dissimilar properties. This amino acid position is well conserved in available vertebrate species. In addition, this alteration is predicted to be tolerated by in silico analysis. The evidence for this gene-disease relationship is limited; therefore, the clinical significance of this alteration is unclear.